The following is an entry in ClinVar:

ClinVar aggregate classification (germline): Conflicting classifications of pathogenicity. Review status: criteria provided, conflicting classifications (1 of 4 stars). 5 submissions from 5 submitters: Uncertain significance (3); Benign (1). 1 of the submissions does not count toward it. Last evaluated 2026-01-31.

Conditions:
Primary ciliary dyskinesia. Also called: Ciliary dyskinesia. Identifiers: Orphanet 244, MedGen C0008780, MONDO:0016575, HP:0012265.
Primary ciliary dyskinesia 3. Identifiers: Orphanet 244, MedGen C1837618, MONDO:0012085, OMIM 608644.

Allele frequency attached by ClinVar (database versions not stated): ExAC 0.00010; gnomAD 0.00011 and 0.00012; TOPMed 0.00011; gnomAD exomes 0.00013 and 0.00016.
gnomAD v4.1: 249 of 1,614,016 alleles (0.015%); highest among the groups gnomAD compares: Admixed American, 0.028%; no homozygotes.

Submissions (5):

Labcorp Genetics (formerly Invitae), Labcorp
Classification: Benign for Primary ciliary dyskinesia. Last evaluated: 2026-01-31. Review status: criteria provided, single submitter. Criteria: Invitae Variant Classification Sherloc (09022015). Collection method: clinical testing. Allele origin: germline.

ARUP Laboratories, Molecular Genetics and Genomics, ARUP Laboratories
Classification: Uncertain significance for Primary ciliary dyskinesia 3. Last evaluated: 2025-07-17. Review status: criteria provided, single submitter. Criteria: ARUP Molecular Germline Variant Investigation Process 2024. Collection method: clinical testing. Allele origin: germline.
Comment: The DNAH5 c.8512A>C; p.Ser2838Arg variant (rs763198301), to our knowledge, is not reported in the medical literature but is reported in ClinVar (Variation ID: 521166). This variant is found in the general population with an overall allele frequency of 0.01% (36/282,648 alleles) in the Genome Aggregation Database (v2.1.1). Computational analyses are uncertain whether this variant is neutral or deleterious (REVEL: 0.027). Due to limited information, the clinical significance of this variant is uncertain at this time.

Ambry Genetics
Classification: Uncertain significance for Primary ciliary dyskinesia. Last evaluated: 2022-02-20. Review status: criteria provided, single submitter. Criteria: Ambry Variant Classification Scheme 2023. Collection method: clinical testing. Allele origin: germline.
Comment: The p.S2838R variant (also known as c.8512A>C), located in coding exon 51 of the DNAH5 gene, results from an A to C substitution at nucleotide position 8512. The serine at codon 2838 is replaced by arginine, an amino acid with dissimilar properties. This amino acid position is poorly conserved in available vertebrate species. In addition, this alteration is predicted to be tolerated by in silico analysis. Since supporting evidence is limited at this time, the clinical significance of this alteration remains unclear.

Fulgent Genetics
Classification: Uncertain significance for Primary ciliary dyskinesia 3. Last evaluated: 2018-10-31. Review status: criteria provided, single submitter. Criteria: ACMG Guidelines, 2015. Collection method: clinical testing. Allele origin: unknown.

Natera, Inc.
Classification: Uncertain significance for Primary ciliary dyskinesia. Last evaluated: 2020-04-18. Review status: no assertion criteria provided. Collection method: clinical testing. Allele origin: germline. Not counted in ClinVar's aggregate classification.

NM_001369.3(DNAH5):c.8512A>C (p.Ser2838Arg)

Gene: DNAH5 (dynein axonemal heavy chain 5; minus strand). Cytogenetic location: 5p15.2.
Variant type: single nucleotide variant.
Coding change: c.8512A>C on transcript NM_001369.3 (MANE Select); coding-DNA position 8512, A replaced by C.
Protein change: p.Ser2838Arg; replaces serine 2838 with arginine.
Molecular consequence: missense variant.
Genome position (GRCh38, 1-based): chr5:13,788,851, T>G on the plus strand (A>C on the coding strand, the complement: DNAH5 is on the minus strand). VCF-style: chr5-13788851-T-G. GRCh37 (hg19) VCF-style: chr5-13788960-T-G.
Other names: short protein forms S2838R.
Identifiers: ClinVar variation 521166 (VCV000521166.15), dbSNP rs763198301, ClinGen allele CA3202793.
Genomic context (GRCh38, chr5:13,788,851, plus strand): 5'-CTTCACCAAACTCCTCCTCTACCAAACTTACTAAAGCCTTATCAAACCAGGTCACATCAC[T>G]GGACACTGTGAAACGGTCAGCTATAACACGTTTACACTCATGCTTCCACAGCTTTAACAG-3'
Protein context (NP_001360.1, residues 2828-2848): RVIADRFTVS[Ser2838Arg]DVTWFDKALV